The following is an entry in ClinVar:

NM_012472.6(DNAAF11):c.1021G>T (p.Val341Leu)

Gene: DNAAF11 (dynein axonemal assembly factor 11; minus strand). Cytogenetic location: 8q24.22.
Variant type: single nucleotide variant.
Coding change: c.1021G>T on transcript NM_012472.6 (MANE Select); coding-DNA position 1021, G replaced by T.
Protein change: p.Val341Leu; replaces valine 341 with leucine.
Molecular consequence: missense variant. On other transcripts: non-coding transcript variant (10).
Genome position (GRCh38, 1-based): chr8:132,611,317, C>A on the plus strand (G>T on the coding strand, the complement: DNAAF11 is on the minus strand). VCF-style: chr8-132611317-C-A. GRCh37 (hg19) VCF-style: chr8-133623563-C-A.
Other names: c.961G>T, p.Val321Leu (NM_001321961.2); c.775G>T, p.Val259Leu (NM_001321962.2); c.661G>T, p.Val221Leu (NM_001321963.2, NM_001321964.2, NM_001321965.2); c.601G>T, p.Val201Leu (NM_001321966.2); c.1021G>T (NM_012472.3); short protein forms V201L, V221L, V259L, V321L, V341L.
Identifiers: ClinVar variation 662468 (VCV000662468.9), dbSNP rs746914801, ClinGen allele CA4881199.

ClinVar aggregate classification (germline): Uncertain significance. Review status: criteria provided, multiple submitters, no conflicts (2 of 4 stars). 2 submissions from 2 submitters: Uncertain significance (2). Last evaluated 2025-08-03.

Conditions:
Primary ciliary dyskinesia 19. Also called: CILIARY DYSKINESIA, PRIMARY, 19, WITH OR WITHOUT SITUS INVERSUS. Identifiers: Orphanet 244, MedGen C3543826, MONDO:0013979, OMIM 614935.
Primary ciliary dyskinesia. Also called: Ciliary dyskinesia. Identifiers: Orphanet 244, MedGen C0008780, MONDO:0016575, HP:0012265.

Allele frequency attached by ClinVar (database versions not stated): TOPMed 0.00005.
gnomAD v4.1: 20 of 1,612,054 alleles (0.0012%); highest among the groups gnomAD compares: South Asian, 0.0066%; no homozygotes.

Submissions (2):

Ambry Genetics
Classification: Uncertain significance for Primary ciliary dyskinesia. Last evaluated: 2025-08-03. Review status: criteria provided, single submitter. Criteria: Ambry Variant Classification Scheme 2023. Collection method: clinical testing. Allele origin: germline.

Labcorp Genetics (formerly Invitae), Labcorp
Classification: Uncertain significance for Primary ciliary dyskinesia 19. Last evaluated: 2024-07-23. Review status: criteria provided, single submitter. Criteria: Invitae Variant Classification Sherloc (09022015). Collection method: clinical testing. Allele origin: germline.
Comment: This sequence change replaces valine, which is neutral and non-polar, with leucine, which is neutral and non-polar, at codon 341 of the LRRC6 protein (p.Val341Leu). This variant is present in population databases (rs746914801, gnomAD 0.01%). This variant has not been reported in the literature in individuals affected with LRRC6-related conditions. ClinVar contains an entry for this variant (Variation ID: 662468). Advanced modeling of protein sequence and biophysical properties (such as structural, functional, and spatial information, amino acid conservation, physicochemical variation, residue mobility, and thermodynamic stability) performed at Invitae indicates that this missense variant is not expected to disrupt LRRC6 protein function with a negative predictive value of 80%. In summary, the available evidence is currently insufficient to determine the role of this variant in disease. Therefore, it has been classified as a Variant of Uncertain Significance.